The following is an entry in ClinVar:

ClinVar aggregate classification (germline): Uncertain significance. Review status: criteria provided, multiple submitters, no conflicts (2 of 4 stars). 2 submissions from 2 submitters: Uncertain significance (2). Last evaluated 2026-05-08.

Conditions:
CREBBP-related disorder. Also called: CREBBP-related condition; CREBBP-related disorders.
Inborn genetic diseases. Identifiers: MedGen C0950123, MeSH D030342.

Allele frequency attached by ClinVar (database versions not stated): gnomAD exomes 0.00001; TOPMed 0.00002.
gnomAD v4.1: 11 of 1,613,786 alleles (0.00068%); highest among the groups gnomAD compares: African/African-American, 0.0013%; no homozygotes.

Submissions (2):

PreventionGenetics, part of Exact Sciences
Classification: Uncertain significance for CREBBP-related condition. Last evaluated: 2026-05-08. Review status: criteria provided, single submitter. Criteria: ACMG Guidelines, 2015. Collection method: clinical testing. Allele origin: germline.
Comment: The CREBBP c.4345G>A variant is predicted to result in the amino acid substitution p.Val1449Ile. To our knowledge, this variant has not been reported in the literature. This variant is reported in 0.0062% of alleles in individuals of African descent in gnomAD. At this time, the clinical significance of this variant is uncertain due to the absence of conclusive functional and genetic evidence.

Ambry Genetics
Classification: Uncertain significance for Inborn genetic diseases. Last evaluated: 2018-11-23. Review status: criteria provided, single submitter. Criteria: Ambry Variant Classification Scheme 2023. Collection method: clinical testing. Allele origin: germline.
Comment: The p.V1449I variant (also known as c.4345G>A), located in coding exon 26 of the CREBBP gene, results from a G to A substitution at nucleotide position 4345. The valine at codon 1449 is replaced by isoleucine, an amino acid with highly similar properties. This amino acid position is highly conserved in available vertebrate species. In addition, this alteration is predicted to be deleterious by in silico analysis. Since supporting evidence is limited at this time, the clinical significance of this alteration remains unclear.

NM_004380.3(CREBBP):c.4345G>A (p.Val1449Ile)

Gene: CREBBP (CREB binding lysine acetyltransferase; minus strand). Cytogenetic location: 16p13.3.
Variant type: single nucleotide variant.
Coding change: c.4345G>A on transcript NM_004380.3 (MANE Select); coding-DNA position 4345, G replaced by A.
Protein change: p.Val1449Ile; replaces valine 1449 with isoleucine.
Molecular consequence: missense variant.
Genome position (GRCh38, 1-based): chr16:3,738,608, C>T on the plus strand (G>A on the coding strand, the complement: CREBBP is on the minus strand). VCF-style: chr16-3738608-C-T. GRCh37 (hg19) VCF-style: chr16-3788609-C-T.
Other names: c.4231G>A, p.Val1411Ile (NM_001079846.1); short protein forms V1411I, V1449I.
Identifiers: ClinVar variation 1739882 (VCV001739882.5), dbSNP rs945398646, ClinGen allele CA276981745.
Genomic context (GRCh38, chr16:3,738,608, plus strand): 5'-TCCAAACTCACCCTAATTTCTTCACATACTCTAAATATCCAATAAGGATCTCATGGTAAA[C>T]GGCTGTGCGGAGGCAACGTGGCCGGAAGAAATGAATACTATCCAGATAAGAAATGTACAC-3'
Protein context (NP_004371.2, residues 1439-1459): FFRPRCLRTA[Val1449Ile]YHEILIGYLE